The following is an entry in ClinVar:

NM_203486.3(DLL3):c.854A>G (p.Asn285Ser)

Gene: DLL3 (delta like canonical Notch ligand 3; plus strand). Cytogenetic location: 19q13.2.
Variant type: single nucleotide variant.
Coding change: c.854A>G on transcript NM_203486.3 (MANE Select); coding-DNA position 854, A replaced by G.
Protein change: p.Asn285Ser; replaces asparagine 285 with serine.
Molecular consequence: missense variant.
Genome position (GRCh38, 1-based): chr19:39,504,272, A>G. VCF-style: chr19-39504272-A-G. GRCh37 (hg19) VCF-style: chr19-39994912-A-G.
Other names: c.854A>G, p.Asn285Ser (NM_016941.4); short protein forms N285S.
Identifiers: ClinVar variation 2503247 (VCV002503247.1), dbSNP rs758925975, ClinGen allele CA9432281.

ClinVar aggregate classification (germline): Uncertain significance (1 of 4 stars; one submission).

Allele frequency attached by ClinVar (database versions not stated): ExAC 0.00001; gnomAD 0.00001; gnomAD exomes 0.00001; TOPMed 0.00001.

Submission:

GeneDx
Classification: Uncertain significance. Last evaluated: 2022-11-25. Review status: criteria provided, single submitter. Criteria: GeneDx Variant Classification Process June 2021. Collection method: clinical testing. Allele origin: germline. Affected: yes.
Comment: Not observed at significant frequency in large population cohorts (gnomAD); In silico analysis supports that this missense variant has a deleterious effect on protein structure/function; Has not been previously published as pathogenic or benign to our knowledge